The following is an entry in ClinVar:

ClinVar aggregate classification (germline): Uncertain significance (1 of 4 stars; one submission).

Conditions:
Inborn genetic diseases. Identifiers: MedGen C0950123, MeSH D030342.

Submission:

Ambry Genetics
Classification: Uncertain significance for Inborn genetic diseases. Last evaluated: 2025-01-13. Review status: criteria provided, single submitter. Criteria: Ambry Variant Classification Scheme 2023. Collection method: clinical testing. Allele origin: germline.
Comment: The p.P350L variant (also known as c.1049C>T), located in coding exon 5 of the SH2B3 gene, results from a C to T substitution at nucleotide position 1049. The proline at codon 350 is replaced by leucine, an amino acid with similar properties. This amino acid position is conserved. In addition, this alteration is predicted to be tolerated by in silico analysis. Based on the available evidence, the clinical significance of this variant remains unclear.

NM_005475.3(SH2B3):c.1049C>T (p.Pro350Leu)

Gene: SH2B3 (SH2B adaptor protein 3; plus strand). Cytogenetic location: 12q24.12.
Variant type: single nucleotide variant.
Coding change: c.1049C>T on transcript NM_005475.3 (MANE Select); coding-DNA position 1049, C replaced by T.
Protein change: p.Pro350Leu; replaces proline 350 with leucine.
Molecular consequence: missense variant.
Genome position (GRCh38, 1-based): chr12:111,447,357, C>T. VCF-style: chr12-111447357-C-T. GRCh37 (hg19) VCF-style: chr12-111885161-C-T.
Other names: c.443C>T, p.Pro148Leu (NM_001291424.1); short protein forms P148L, P350L.
Identifiers: ClinVar variation 3795100 (VCV003795100.1).